The following is an entry in ClinVar:

NM_020207.7(ERCC6L2):c.648G>T (p.Leu216Phe)

Gene: ERCC6L2 (ERCC excision repair 6 like 2; plus strand). Cytogenetic location: 9q22.32.
Variant type: single nucleotide variant.
Coding change: c.648G>T on transcript NM_020207.7 (MANE Select); coding-DNA position 648, G replaced by T.
Protein change: p.Leu216Phe; replaces leucine 216 with phenylalanine.
Molecular consequence: missense variant. On other transcripts: non-coding transcript variant (1).
Genome position (GRCh38, 1-based): chr9:95,907,131, G>T. VCF-style: chr9-95907131-G-T. GRCh37 (hg19) VCF-style: chr9-98669413-G-T.
Other names: c.648G>T, p.Leu216Phe (NM_001375294.1, NM_001010895.4, NM_001375291.1 and 2 more transcripts); short protein forms L216F.
Identifiers: ClinVar variation 2123929 (VCV002123929.4), dbSNP rs2490053749, ClinGen allele CA374120905.
Genomic context (GRCh38, chr9:95,907,131, plus strand): 5'-GTTTTAGATGTTCTTAATAGTTGCTCCTCTTTCTGTCCTCTACAACTGGAAGGATGAATT[G>T]GACACCTGGGGATATTTCAGAGTCACTGTTTTACATGGAAACAGAAAAGATAATGAATTA-3'
Protein context (NP_064592.3, residues 206-226): LSVLYNWKDE[Leu216Phe]DTWGYFRVTV

ClinVar aggregate classification (germline): Uncertain significance (1 of 4 stars; one submission).

Allele frequency attached by ClinVar (database versions not stated): gnomAD exomes below 0.00001.
gnomAD v4.1: 1 of 1,612,910 alleles (0.000062%); highest among the groups gnomAD compares: Admixed American, 0.0017%; no homozygotes.

Submission:

Labcorp Genetics (formerly Invitae), Labcorp
Classification: Uncertain significance. Last evaluated: 2022-04-09. Review status: criteria provided, single submitter. Criteria: Invitae Variant Classification Sherloc (09022015). Collection method: clinical testing. Allele origin: germline.
Comment: This variant is not present in population databases (gnomAD no frequency). In summary, the available evidence is currently insufficient to determine the role of this variant in disease. Therefore, it has been classified as a Variant of Uncertain Significance. Algorithms developed to predict the effect of missense changes on protein structure and function are either unavailable or do not agree on the potential impact of this missense change (SIFT: "Tolerated"; PolyPhen-2: "Not Available"; Align-GVGD: "Class C0"). This variant has not been reported in the literature in individuals affected with ERCC6L2-related conditions. This sequence change replaces leucine, which is neutral and non-polar, with phenylalanine, which is neutral and non-polar, at codon 227 of the ERCC6L2 protein (p.Leu227Phe).